The following is an entry in ClinVar:

NM_033028.5(BBS4):c.1114C>T (p.Pro372Ser)

Gene: BBS4 (Bardet-Biedl syndrome 4; plus strand). Cytogenetic location: 15q24.1.
Variant type: single nucleotide variant.
Coding change: c.1114C>T on transcript NM_033028.5 (MANE Select); coding-DNA position 1114, C replaced by T.
Protein change: p.Pro372Ser; replaces proline 372 with serine.
Molecular consequence: missense variant. On other transcripts: non-coding transcript variant (2).
Genome position (GRCh38, 1-based): chr15:72,735,832, C>T. VCF-style: chr15-72735832-C-T. GRCh37 (hg19) VCF-style: chr15-73028173-C-T.
Other names: c.598C>T, p.Pro200Ser (NM_001252678.2); c.1045C>T, p.Pro349Ser (NM_001320665.2); c.1114C>T (NM_033028.4); short protein forms P372S, P349S, P200S.
Identifiers: ClinVar variation 1495438 (VCV001495438.8), dbSNP rs375558008, ClinGen allele CA7646919.

ClinVar aggregate classification (germline): Uncertain significance. Review status: criteria provided, multiple submitters, no conflicts (2 of 4 stars). 3 submissions from 3 submitters: Uncertain significance (2). 1 of the submissions does not count toward it. Last evaluated 2022-03-10.

Conditions:
Bardet-Biedl syndrome 4 (BBS4). Identifiers: Orphanet 110, MedGen C2936864, MONDO:0014433, OMIM 615982.
Bardet-Biedl syndrome (BBS). Identifiers: Orphanet 110, MedGen C0752166, MONDO:0015229.
BBS4-related disorder. Also called: BBS4-related condition.

Allele frequency attached by ClinVar (database versions not stated): gnomAD exomes below 0.00001 and 0.00001; ExAC 0.00002; TOPMed 0.00003; gnomAD 0.00005 and 0.00006; ESP Exome Variant Server 0.00008.
gnomAD v4.1: 13 of 1,613,976 alleles (0.00081%); highest among the groups gnomAD compares: African/African-American, 0.0093%; no homozygotes.

Submissions (3):

Labcorp Genetics (formerly Invitae), Labcorp
Classification: Uncertain significance for Bardet-Biedl syndrome. Last evaluated: 2022-03-10. Review status: criteria provided, single submitter. Criteria: Invitae Variant Classification Sherloc (09022015). Collection method: clinical testing. Allele origin: germline.
Comment: This sequence change replaces proline, which is neutral and non-polar, with serine, which is neutral and polar, at codon 372 of the BBS4 protein (p.Pro372Ser). The frequency data for this variant in the population databases is considered unreliable, as metrics indicate poor data quality at this position in the gnomAD database. This variant has not been reported in the literature in individuals affected with BBS4-related conditions. Algorithms developed to predict the effect of missense changes on protein structure and function are either unavailable or do not agree on the potential impact of this missense change (SIFT: "Deleterious"; PolyPhen-2: "Probably Damaging"; Align-GVGD: "Class C0"). In summary, the available evidence is currently insufficient to determine the role of this variant in disease. Therefore, it has been classified as a Variant of Uncertain Significance.

Fulgent Genetics
Classification: Uncertain significance for Bardet-Biedl syndrome 4. Last evaluated: 2022-01-26. Review status: criteria provided, single submitter. Criteria: ACMG Guidelines, 2015. Collection method: clinical testing. Allele origin: unknown.

PreventionGenetics, part of Exact Sciences
Classification: Uncertain significance for BBS4-related condition. Last evaluated: 2024-01-02. Review status: no assertion criteria provided. Collection method: clinical testing. Allele origin: germline. Not counted in ClinVar's aggregate classification.
Comment: The BBS4 c.1114C>T variant is predicted to result in the amino acid substitution p.Pro372Ser. To our knowledge, this variant has not been reported in the literature. This variant is reported in 0.012% of alleles in individuals of African descent in gnomAD. At this time, the clinical significance of this variant is uncertain due to the absence of conclusive functional and genetic evidence.